The following is an entry in ClinVar:

NM_005733.3(KIF20A):c.1636GAT[2] (p.Asp548del)

Gene: KIF20A (kinesin family member 20A; plus strand). Cytogenetic location: 5q31.2.
Variant type: Microsatellite.
Coding change: c.1636GAT[2] on transcript NM_005733.3 (MANE Select); two copies in a row of the 3-base unit GAT starting at c.1636; the reference has three copies in a row; one copy, 3 bases deleted.
Protein change: p.Asp548del; deletes aspartic acid 548.
Molecular consequence: inframe deletion.
Genome position (GRCh38, 1-based): chr5:138,184,635-138,184,637, GAT deleted; deleting any 3 consecutive bases within chr5:138,184,628-138,184,637 gives the same sequence; the position shown is the placement nearest the transcript's 3' end. VCF-style (leftmost placement, unchanged base first): chr5-138184627-TTGA-T. GRCh37 (hg19) VCF-style: chr5-137520316-TTGA-T.
Other names: short protein forms D548del.
Identifiers: ClinVar variation 2973089 (VCV002973089.3), dbSNP rs1374572039, ClinGen allele CA563497157.
Genomic context (GRCh38, chr5:138,184,627, plus strand): 5'-AGGAACATAGTCTTCAGGTATCCCCCAGCTTAGAGAAAGGGGCTAAGGCAGACACAGGCC[TTGA>T]TGATGATATTGAAAATGAAGCTGACATCTCCATGTATGGCAAAGAGGTGAGAATACAAGA-3'

ClinVar aggregate classification (germline): Uncertain significance (1 of 4 stars; one submission).

Submission:

Labcorp Genetics (formerly Invitae), Labcorp
Classification: Uncertain significance. Last evaluated: 2023-09-10. Review status: criteria provided, single submitter. Criteria: Invitae Variant Classification Sherloc (09022015). Collection method: clinical testing. Allele origin: germline.
Comment: In summary, the available evidence is currently insufficient to determine the role of this variant in disease. Therefore, it has been classified as a Variant of Uncertain Significance. Experimental studies and prediction algorithms are not available or were not evaluated, and the functional significance of this variant is currently unknown. This variant has not been reported in the literature in individuals affected with KIF20A-related conditions. This variant is present in population databases (no rsID available, gnomAD 0.03%). This variant, c.1642_1644del, results in the deletion of 1 amino acid(s) of the KIF20A protein (p.Asp548del), but otherwise preserves the integrity of the reading frame.